The following is an entry in ClinVar:

NM_000505.4(F12):c.359T>A (p.Leu120His)

Gene: F12 (coagulation factor XII; minus strand). Cytogenetic location: 5q35.3.
Variant type: single nucleotide variant.
Coding change: c.359T>A on transcript NM_000505.4 (MANE Select); coding-DNA position 359, T replaced by A.
Protein change: p.Leu120His; replaces leucine 120 with histidine.
Molecular consequence: missense variant.
Genome position (GRCh38, 1-based): chr5:177,405,361, A>T on the plus strand (T>A on the coding strand, the complement: F12 is on the minus strand). VCF-style: chr5-177405361-A-T. GRCh37 (hg19) VCF-style: chr5-176832362-A-T.
Other names: short protein forms L120H.
Identifiers: ClinVar variation 2181485 (VCV002181485.5), dbSNP rs41309750, ClinGen allele CA3581516.

ClinVar aggregate classification (germline): Uncertain significance. Review status: criteria provided, multiple submitters, no conflicts (2 of 4 stars). 3 submissions from 3 submitters: Uncertain significance (3). Last evaluated 2024-12-19.

Conditions:
Inborn genetic diseases. Identifiers: MedGen C0950123, MeSH D030342.
Factor XII deficiency disease. Also called: F12 DEFICIENCY; HAF DEFICIENCY; Congenital factor XII deficiency; Reduced factor XII activity. Identifiers: Orphanet 330, MedGen C0015526, MONDO:0009315, OMIM 234000, HP:0004841.

Allele frequency attached by ClinVar (database versions not stated): ESP Exome Variant Server 0.00008; gnomAD exomes 0.00012; gnomAD 0.00017; ExAC 0.00018; TOPMed 0.00018; 1000 Genomes Project 30x 0.00031; 1000 Genomes Project 0.00040.
gnomAD v4.1: 205 of 1,614,136 alleles (0.013%); highest among the groups gnomAD compares: Middle Eastern, 0.082%; no homozygotes.

Submissions (3):

Genomic Medicine Center of Excellence, King Faisal Specialist Hospital and Research Centre
Classification: Uncertain significance for Factor XII deficiency disease. Last evaluated: 2024-12-19. Review status: criteria provided, single submitter. Criteria: ACMG Guidelines, 2015. Collection method: clinical testing. Allele origin: germline.

Labcorp Genetics (formerly Invitae), Labcorp
Classification: Uncertain significance. Last evaluated: 2024-08-16. Review status: criteria provided, single submitter. Criteria: Invitae Variant Classification Sherloc (09022015). Collection method: clinical testing. Allele origin: germline.
Comment: This sequence change replaces leucine, which is neutral and non-polar, with histidine, which is basic and polar, at codon 120 of the F12 protein (p.Leu120His). This variant is present in population databases (rs41309750, gnomAD 0.02%). This variant has not been reported in the literature in individuals affected with F12-related conditions. ClinVar contains an entry for this variant (Variation ID: 2181485). Invitae Evidence Modeling of protein sequence and biophysical properties (such as structural, functional, and spatial information, amino acid conservation, physicochemical variation, residue mobility, and thermodynamic stability) indicates that this missense variant is not expected to disrupt F12 protein function with a negative predictive value of 80%. In summary, the available evidence is currently insufficient to determine the role of this variant in disease. Therefore, it has been classified as a Variant of Uncertain Significance.

Ambry Genetics
Classification: Uncertain significance for Inborn genetic diseases. Last evaluated: 2021-09-16. Review status: criteria provided, single submitter. Criteria: Ambry Variant Classification Scheme 2023. Collection method: clinical testing. Allele origin: germline.